The following is an entry in ClinVar:

ClinVar aggregate classification (germline): Uncertain significance (1 of 4 stars; one submission).

Conditions:
Congenital disorder of glycosylation type Ir (CDG1R). Also called: DDOST-congenital disorder of glycosylation. Identifiers: Orphanet 300536, MedGen C3281084, MONDO:0013789, OMIM 614507.

Allele frequency attached by ClinVar (database versions not stated): gnomAD exomes below 0.00001; ExAC 0.00001.
gnomAD v4.1: 1 of 1,611,840 alleles (0.000062%); highest among the groups gnomAD compares: Admixed American, 0.0017%; no homozygotes.

Submission:

Labcorp Genetics (formerly Invitae), Labcorp
Classification: Uncertain significance for Congenital disorder of glycosylation type Ir. Last evaluated: 2023-11-06. Review status: criteria provided, single submitter. Criteria: Invitae Variant Classification Sherloc (09022015). Collection method: clinical testing. Allele origin: germline.
Comment: This sequence change falls in intron 7 of the DDOST gene. It does not directly change the encoded amino acid sequence of the DDOST protein. It affects a nucleotide within the consensus splice site. This variant is present in population databases (rs762134804, gnomAD 0.003%). This variant has not been reported in the literature in individuals affected with DDOST-related conditions. Variants that disrupt the consensus splice site are a relatively common cause of aberrant splicing (PMID: 17576681, 9536098). Algorithms developed to predict the effect of sequence changes on RNA splicing suggest that this variant may disrupt the consensus splice site. In summary, the available evidence is currently insufficient to determine the role of this variant in disease. Therefore, it has been classified as a Variant of Uncertain Significance.

Literature cited by the submitters: PubMed 17576681; PubMed 9536098.

NM_005216.5(DDOST):c.795-3C>G

Gene: DDOST (dolichyl-diphosphooligosaccharide--protein glycosyltransferase non-catalytic subunit; minus strand). Cytogenetic location: 1p36.12.
Variant type: single nucleotide variant.
Coding change: c.795-3C>G on transcript NM_005216.5 (MANE Select); 3 bases into the intron before coding-DNA position 795, C replaced by G.
Molecular consequence: intron variant.
Genome position (GRCh38, 1-based): chr1:20,653,777, G>C on the plus strand (C>G on the coding strand, the complement: DDOST is on the minus strand). VCF-style: chr1-20653777-G-C. GRCh37 (hg19) VCF-style: chr1-20980270-G-C.
Identifiers: ClinVar variation 2898776 (VCV002898776.3), dbSNP rs762134804, ClinGen allele CA661121.